The following is an entry in ClinVar:

NM_000051.4(ATM):c.4349T>C (p.Leu1450Pro)

Gene: ATM (ATM serine/threonine kinase; plus strand). Cytogenetic location: 11q22.3.
Variant type: single nucleotide variant.
Coding change: c.4349T>C on transcript NM_000051.4 (MANE Select); coding-DNA position 4349, T replaced by C.
Protein change: p.Leu1450Pro; replaces leucine 1450 with proline.
Molecular consequence: missense variant.
Genome position (GRCh38, 1-based): chr11:108,289,714, T>C. VCF-style: chr11-108289714-T-C. GRCh37 (hg19) VCF-style: chr11-108160441-T-C.
Other names: c.4349T>C, p.Leu1450Pro (NM_001351834.2); short protein forms L1450P.
Identifiers: ClinVar variation 453517 (VCV000453517.17), dbSNP rs750306932, ClinGen allele CA6265439.
Genomic context (GRCh38, chr11:108,289,714, plus strand): 5'-ATAATGTTTATAAGAAGCACAGAATTCTTAAAATATATCACCTGTTTGTTAGTTTATTAC[T>C]GAAAGATATAAAAAGTGGCTTAGGAGGAGCTTGGGCCTTTGTTCTTCGAGACGTTATTTA-3'
Protein context (NP_000042.3, residues 1440-1460): KIYHLFVSLL[Leu1450Pro]KDIKSGLGGA

ClinVar aggregate classification (germline): Uncertain significance. Review status: criteria provided, multiple submitters, no conflicts (2 of 4 stars). 4 submissions from 4 submitters: Uncertain significance (3). 1 of the submissions does not count toward it. Last evaluated 2025-07-14.

Conditions:
Hereditary cancer-predisposing syndrome. Also called: Tumor predisposition; Hereditary Cancer Syndrome; Neoplastic Syndromes, Hereditary; Hereditary neoplastic syndrome. Identifiers: Orphanet 140162, MedGen C0027672, MeSH D009386, MONDO:0015356.
Ataxia-telangiectasia syndrome (AT). Also called: Cerebello-oculocutaneous telangiectasia; Immunodeficiency with ataxia telangiectasia; Ataxia-telangiectasia, complementation group D; AT, COMPLEMENTATION GROUP C; Ataxia-telangiectasia, complementation group E; LOUIS-BAR SYNDROME. Identifiers: Orphanet 100, MedGen C0004135, MONDO:0008840, OMIM 208900.

Allele frequency attached by ClinVar (database versions not stated): gnomAD exomes below 0.00001; ExAC 0.00001.
gnomAD v4.1: 2 of 1,613,806 alleles (0.00012%); highest among the groups gnomAD compares: Middle Eastern, 0.034%; no homozygotes.

Submissions (4):

Labcorp Genetics (formerly Invitae), Labcorp
Classification: Uncertain significance for Ataxia-telangiectasia syndrome. Last evaluated: 2025-07-14. Review status: criteria provided, single submitter. Criteria: Invitae Variant Classification Sherloc (09022015). Collection method: clinical testing. Allele origin: germline.
Comment: This sequence change replaces leucine, which is neutral and non-polar, with proline, which is neutral and non-polar, at codon 1450 of the ATM protein (p.Leu1450Pro). This variant is present in population databases (rs750306932, gnomAD 0.006%). This variant has not been reported in the literature in individuals affected with ATM-related conditions. ClinVar contains an entry for this variant (Variation ID: 453517). Invitae Evidence Modeling of protein sequence and biophysical properties (such as structural, functional, and spatial information, amino acid conservation, physicochemical variation, residue mobility, and thermodynamic stability) indicates that this missense variant is not expected to disrupt ATM protein function with a negative predictive value of 95%. In summary, the available evidence is currently insufficient to determine the role of this variant in disease. Therefore, it has been classified as a Variant of Uncertain Significance.

Ambry Genetics
Classification: Uncertain significance for Hereditary cancer-predisposing syndrome. Last evaluated: 2025-01-19. Review status: criteria provided, single submitter. Criteria: Ambry Variant Classification Scheme 2023. Collection method: clinical testing. Allele origin: germline.
Comment: The p.L1450P variant (also known as c.4349T>C), located in coding exon 28 of the ATM gene, results from a T to C substitution at nucleotide position 4349. The leucine at codon 1450 is replaced by proline, an amino acid with similar properties. This amino acid position is well conserved in available vertebrate species. In addition, this alteration is predicted to be deleterious by in silico analysis. Based on the available evidence, the clinical significance of this variant remains unclear.

GeneDx
Classification: Uncertain significance. Last evaluated: 2022-03-21. Review status: criteria provided, single submitter. Criteria: GeneDx Variant Classification Process June 2021. Collection method: clinical testing. Allele origin: germline. Affected: yes.
Comment: Not observed at significant frequency in large population cohorts (gnomAD); In silico analysis supports that this missense variant has a deleterious effect on protein structure/function; Has not been previously published as pathogenic or benign to our knowledge

Natera, Inc.
Classification: Uncertain significance for Ataxia-telangiectasia. Last evaluated: 2020-10-07. Review status: no assertion criteria provided. Collection method: clinical testing. Allele origin: germline. Not counted in ClinVar's aggregate classification.